The following is an entry in ClinVar:

NM_198253.3(TERT):c.2228G>A (p.Arg743Gln)

Gene: TERT (telomerase reverse transcriptase; minus strand). Cytogenetic location: 5p15.33.
Variant type: single nucleotide variant.
Coding change: c.2228G>A on transcript NM_198253.3 (MANE Select); coding-DNA position 2228, G replaced by A.
Protein change: p.Arg743Gln; replaces arginine 743 with glutamine.
Molecular consequence: missense variant. On other transcripts: non-coding transcript variant (2).
Genome position (GRCh38, 1-based): chr5:1,278,699, C>T on the plus strand (G>A on the coding strand, the complement: TERT is on the minus strand). VCF-style: chr5-1278699-C-T. GRCh37 (hg19) VCF-style: chr5-1278814-C-T.
Other names: c.2228G>A, p.Arg743Gln (NM_001193376.3); short protein forms R743Q.
Identifiers: ClinVar variation 539199 (VCV000539199.14), dbSNP rs768168259, ClinGen allele CA3184621.

ClinVar aggregate classification (germline): Conflicting classifications of pathogenicity. Review status: criteria provided, conflicting classifications (1 of 4 stars). 4 submissions from 4 submitters: Uncertain significance (2); Likely benign (2). Last evaluated 2025-11-17.

Conditions:
Dyskeratosis congenita. Identifiers: Orphanet 1775, MedGen C0265965, MONDO:0015780.
Dyskeratosis congenita, autosomal dominant 2. Identifiers: MedGen C3151443, MONDO:0013521, OMIM 613989.
Idiopathic Pulmonary Fibrosis. Also called: Idiopathic fibrosing alveolitis, chronic form; idiopathic fibrosing alveolitis. Identifiers: Orphanet 2032, MedGen C1800706, MeSH D054990, MONDO:0800504.

Allele frequency attached by ClinVar (database versions not stated): ExAC 0.00002; gnomAD 0.00002; gnomAD exomes 0.00002; TOPMed 0.00003.
gnomAD v4.1: 27 of 1,614,056 alleles (0.0017%); highest among the groups gnomAD compares: Middle Eastern, 0.033%; no homozygotes.

Submissions (4):

Labcorp Genetics (formerly Invitae), Labcorp
Classification: Likely benign for Dyskeratosis congenita, autosomal dominant 2; Idiopathic Pulmonary Fibrosis. Last evaluated: 2025-11-17. Review status: criteria provided, single submitter. Criteria: Invitae Variant Classification Sherloc (09022015). Collection method: clinical testing. Allele origin: germline.

Ambry Genetics
Classification: Likely benign for Dyskeratosis congenita. Last evaluated: 2025-03-01. Review status: criteria provided, single submitter. Criteria: Ambry Variant Classification Scheme 2023. Collection method: clinical testing. Allele origin: germline.

Sema4
Classification: Uncertain significance for Dyskeratosis congenita. Last evaluated: 2021-11-04. Review status: criteria provided, single submitter. Criteria: Sema4 Curation Guidelines. Collection method: curation. Allele origin: germline.
Comment: The TERT c.2228G>A (p.R743Q) variant has been reported in at least one individual with an unspecified advanced cancer (PMID: 28873162). It was observed in 8/282876 chromosomes in the large and broad cohorts of the Genome Aggregation Database (PMID: 32461654). The variant has been reported in ClinVar (Variation ID: 539199). Functional studies have not been performed, and in silico predictions of the variant's effect on protein function are inconclusive. The evidence is insufficient to meet ACMG/AMP criteria for classifying the variant as benign or pathogenic. Thus, the clinical significance of this variant is currently uncertain.

Genetic Services Laboratory, University of Chicago
Classification: Uncertain significance. Last evaluated: 2018-12-14. Review status: criteria provided, single submitter. Criteria: ACMG Guidelines, 2015. Collection method: clinical testing. Allele origin: germline. Affected: no.

Literature cited by the submitters: PubMed 28873162 (cited by Sema4).